The following is an entry in ClinVar:

ClinVar aggregate classification (germline): Uncertain significance (1 of 4 stars; one submission).

Conditions:
Bone mineral density quantitative trait locus 1 (BMND1). Identifiers: MedGen C1866079, OMIM 601884.

Submission:

Institute of Human Genetics, University of Goettingen
Classification: Uncertain significance for Bone mineral density quantitative trait locus 1. Last evaluated: 2024-12-11. Review status: criteria provided, single submitter. Criteria: ACMG Guidelines, 2015. Collection method: clinical testing. Allele origin: unknown. Inheritance: Autosomal dominant inheritance. Observed: 1 heterozygote.
Comment: The variant c.356G>A (p.(Gly119Asp)) in exon 2 of the LRP5-gene is not found in the gnomAD database, it affects a moderately conserved nucleotide, and a highly conserved amino acid and there is a moderate physicochemical difference between Gly and Asp. In-silico tools predict a pathogenic outcome for this variant. This variant was found to be in cis with another variant of unknown significance within the LRP5 gene: NM_002335.4:c.303C>G p.(Asn101Lys). ACMG criteria used for classification: PM2_SUP, BP1, PP3.

NM_002335.4(LRP5):c.356G>A (p.Gly119Asp)

Gene: LRP5 (LDL receptor related protein 5; plus strand). Cytogenetic location: 11q13.2.
Variant type: single nucleotide variant.
Coding change: c.356G>A on transcript NM_002335.4 (MANE Select); coding-DNA position 356, G replaced by A.
Protein change: p.Gly119Asp; replaces glycine 119 with aspartic acid.
Molecular consequence: missense variant. On other transcripts: 5 prime UTR variant (1).
Genome position (GRCh38, 1-based): chr11:68,348,111, G>A. VCF-style: chr11-68348111-G-A. GRCh37 (hg19) VCF-style: chr11-68115579-G-A.
Other names: c.-1410G>A (NM_001291902.2); short protein forms G119D.
Identifiers: ClinVar variation 3390375 (VCV003390375.2).